The following is an entry in ClinVar:

ClinVar aggregate classification (germline): Likely pathogenic (1 of 4 stars; one submission).

Conditions:
Coffin-Lowry syndrome (CLS). Also called: Mental retardation with osteocartilaginous abnormalities; COFFIN-LOWRY SYNDROME, MILD. Identifiers: Orphanet 192, MedGen C0265252, MONDO:0010561, OMIM 303600.

Submission:

Department of Medical and Surgical Sciences, University of Bologna
Classification: Likely pathogenic for Coffin-Lowry syndrome. Last evaluated: 2024-12-06. Review status: criteria provided, single submitter. Criteria: ACMG Guidelines, 2015. Collection method: clinical testing. Allele origin: germline. Affected: yes.
Comment: The variant satisfied PM2 and PP3 criteria. We performed transcript analysis which demonstrated its impact on splicing, allowing to add the PS3 criterion and to classify it as Likely Pathogenic

NM_004586.3(RPS6KA3):c.1354-12T>G

Gene: RPS6KA3 (ribosomal protein S6 kinase A3; minus strand). Cytogenetic location: Xp22.12.
Variant type: single nucleotide variant.
Coding change: c.1354-12T>G on transcript NM_004586.3 (MANE Select); 12 bases into the intron before coding-DNA position 1354, T replaced by G.
Molecular consequence: intron variant.
Genome position (GRCh38, 1-based): chrX:20,169,503, A>C on the plus strand (T>G on the coding strand, the complement: RPS6KA3 is on the minus strand). VCF-style: chrX-20169503-A-C. GRCh37 (hg19) VCF-style: chrX-20187621-A-C.
Identifiers: ClinVar variation 3384158 (VCV003384158.1).